The following is an entry in ClinVar:

NM_000257.4(MYH7):c.328G>A (p.Gly110Ser)

Gene: MYH7 (myosin heavy chain 7; minus strand). Cytogenetic location: 14q11.2.
Variant type: single nucleotide variant.
Coding change: c.328G>A on transcript NM_000257.4 (MANE Select); coding-DNA position 328, G replaced by A.
Protein change: p.Gly110Ser; replaces glycine 110 with serine.
Molecular consequence: missense variant.
Genome position (GRCh38, 1-based): chr14:23,433,101, C>T on the plus strand (G>A on the coding strand, the complement: MYH7 is on the minus strand). VCF-style: chr14-23433101-C-T. GRCh37 (hg19) VCF-style: chr14-23902310-C-T.
Other names: short protein forms G110S.
Identifiers: ClinVar variation 1163945 (VCV001163945.42), dbSNP rs763893822, ClinGen allele CA036654.

ClinVar aggregate classification (germline): Uncertain significance. Review status: criteria provided, multiple submitters, no conflicts (2 of 4 stars). 9 submissions from 9 submitters: Uncertain significance (5). 4 of the submissions do not count toward it. Last evaluated 2025-04-11.

Conditions:
Cardiovascular phenotype. Identifiers: MedGen CN230736.
Cardiomyopathy (CMYO). Also called: Cardiomyopathies. Identifiers: Orphanet 167848, MedGen C0878544, MONDO:0004994, HP:0001638. Inheritance: Various modes of inheritance.
Hypertrophic cardiomyopathy. Also called: HYPERTROPHIC MYOCARDIOPATHY. Identifiers: Orphanet 217569, MedGen C0007194, MeSH D002312, MONDO:0005045, HP:0001639.

Allele frequency attached by ClinVar (database versions not stated): gnomAD 0.00001; ExAC 0.00002; TOPMed 0.00002.

Submissions (9):

Labcorp Genetics (formerly Invitae), Labcorp
Classification: Uncertain significance for Hypertrophic cardiomyopathy. Last evaluated: 2025-04-11. Review status: criteria provided, single submitter. Criteria: Invitae Variant Classification Sherloc (09022015). Collection method: clinical testing. Allele origin: germline.
Comment: This sequence change replaces glycine, which is neutral and non-polar, with serine, which is neutral and polar, at codon 110 of the MYH7 protein (p.Gly110Ser). This variant is present in population databases (rs763893822, gnomAD 0.006%). This variant has not been reported in the literature in individuals affected with MYH7-related conditions. ClinVar contains an entry for this variant (Variation ID: 1163945). Invitae Evidence Modeling of protein sequence and biophysical properties (such as structural, functional, and spatial information, amino acid conservation, physicochemical variation, residue mobility, and thermodynamic stability) indicates that this missense variant is not expected to disrupt MYH7 protein function with a negative predictive value of 95%. In summary, the available evidence is currently insufficient to determine the role of this variant in disease. Therefore, it has been classified as a Variant of Uncertain Significance.

All of Us Research Program, National Institutes of Health
Classification: Uncertain significance for Cardiomyopathy. Last evaluated: 2024-08-06. Review status: criteria provided, single submitter. Criteria: ACMG Guidelines, 2015. Collection method: clinical testing. Allele origin: germline. Inheritance: Autosomal dominant inheritance. Observed: 2 variant alleles, 2 heterozygotes.
Comment: This missense variant replaces glycine with serine at codon 110 of the MYH7 protein. Computational prediction tools indicate that this variant has a neutral impact on protein structure and function. To our knowledge, functional studies have not been reported for this variant. This variant has been reported in one individual affected with dilated cardiomyopathy and in one unaffected carrier parent (PMID: 29517769); this individual also carried a different pathogenic variant in the MYH7 gene. This variant has been identified in 4/251400 chromosomes in the general population by the Genome Aggregation Database (gnomAD). The available evidence is insufficient to determine the role of this variant in disease conclusively. Therefore, this variant is classified as a Variant of Uncertain Significance.

This study involves interpretation of variants in research participants for the purpose of population health screening. Participant phenotype was not available at the time of variant classification. Additional details can be found in publication PMID: 35346344, PMCID: PMC8962531

Ambry Genetics
Classification: Uncertain significance for Cardiovascular phenotype. Last evaluated: 2024-08-05. Review status: criteria provided, single submitter. Criteria: Ambry Variant Classification Scheme 2023. Collection method: clinical testing. Allele origin: germline.
Comment: The p.G110S variant (also known as c.328G>A), located in coding exon 2 of the MYH7 gene, results from a G to A substitution at nucleotide position 328. The glycine at codon 110 is replaced by serine, an amino acid with similar properties. This alteration was reported in a pediatric cardiac cohort; however, the individual was identified to have additional alterations in cardiac-related genes (Herkert JC et al. Genet Med, 2018 11;20:1374-1386). This amino acid position is poorly conserved in available vertebrate species. In addition, this alteration is predicted to be tolerated by in silico analysis. Since supporting evidence is limited at this time, the clinical significance of this alteration remains unclear.

CeGaT Center for Human Genetics Tuebingen
Classification: Uncertain significance. Last evaluated: 2023-12-01. Review status: criteria provided, single submitter. Criteria: CeGaT Center For Human Genetics Tuebingen Variant Classification Criteria Version 2. Collection method: clinical testing. Allele origin: germline. Affected: yes. Observed: 1 variant allele.
Comment: MYH7: PM2, BP4

Mayo Clinic Laboratories, Mayo Clinic
Classification: Uncertain significance. Last evaluated: 2019-07-08. Review status: criteria provided, single submitter. Criteria: ACMG Guidelines, 2015. Collection method: clinical testing. Allele origin: germline. Observed: 1 variant allele.

Clinical Genetics, Academic Medical Center
Classification: Uncertain significance. Review status: no assertion criteria provided. Collection method: clinical testing. Allele origin: germline. Affected: yes. Study: VKGL Data-share Consensus. Not counted in ClinVar's aggregate classification.

Diagnostic Laboratory, Department of Genetics, University Medical Center Groningen
Classification: Uncertain significance. Review status: no assertion criteria provided. Collection method: clinical testing. Allele origin: germline. Affected: yes. Study: VKGL Data-share Consensus. Not counted in ClinVar's aggregate classification.

Genome Diagnostics Laboratory, University Medical Center Utrecht
Classification: Uncertain significance. Review status: no assertion criteria provided. Collection method: clinical testing. Allele origin: germline. Affected: yes. Study: VKGL Data-share Consensus. Not counted in ClinVar's aggregate classification.

Joint Genome Diagnostic Labs from Nijmegen and Maastricht, Radboudumc and MUMC+
Classification: Uncertain significance. Review status: no assertion criteria provided. Collection method: clinical testing. Allele origin: germline. Affected: yes. Study: VKGL Data-share Consensus. Not counted in ClinVar's aggregate classification.

Literature cited by the submitters: PubMed 29517769 (cited by All of Us Research Program, National Institutes of Health and Ambry Genetics).